The following is an entry in ClinVar:

NM_001510.4(GRID2):c.2162A>G (p.Asn721Ser)

Gene: GRID2 (glutamate ionotropic receptor delta type subunit 2; plus strand). Cytogenetic location: 4q22.2.
Variant type: single nucleotide variant.
Coding change: c.2162A>G on transcript NM_001510.4 (MANE Select); coding-DNA position 2162, A replaced by G.
Protein change: p.Asn721Ser; replaces asparagine 721 with serine.
Molecular consequence: missense variant.
Genome position (GRCh38, 1-based): chr4:93,515,380, A>G. VCF-style: chr4-93515380-A-G. GRCh37 (hg19) VCF-style: chr4-94436531-A-G.
Other names: c.1877A>G, p.Asn626Ser (NM_001286838.1); c.2162A>G, p.Asn721Ser (NM_001440459.1); short protein forms N626S, N721S.
Identifiers: ClinVar variation 4281088 (VCV004281088.7).
Genomic context (GRCh38, chr4:93,515,380, plus strand): 5'-GGGACAGCATGTATTCCCAAATGTGGCGGATGATCAACCGAAGCAATGGATCGGAGAACA[A>G]TGTTCTGGAGTCCCAGGCAGGCATTCAAAAGGTACTGTCCATGGTTCTCCTTTAATAGTC-3'
Protein context (NP_001501.2, residues 711-731): MINRSNGSEN[Asn721Ser]VLESQAGIQK

ClinVar aggregate classification (germline): Uncertain significance (1 of 4 stars; one submission).

gnomAD v4.1: 8 of 1,612,592 alleles (0.0005%); highest among the groups gnomAD compares: Non-Finnish European, 0.00068%; no homozygotes.

Submission:

CeGaT Center for Human Genetics Tuebingen
Classification: Uncertain significance. Last evaluated: 2025-09-01. Review status: criteria provided, single submitter. Criteria: CeGaT Center For Human Genetics Tuebingen Variant Classification Criteria Version 2. Collection method: clinical testing. Allele origin: germline. Affected: yes. Observed: 1 variant allele.
Comment: GRID2: PM2